The following is an entry in ClinVar:

ClinVar aggregate classification (germline): Uncertain significance (1 of 4 stars; one submission).

Conditions:
Retinitis pigmentosa 20 (RP20). Identifiers: Orphanet 791, MedGen C3151086, MONDO:0013425, OMIM 613794.
Leber congenital amaurosis 2 (LCA2). Also called: AMAUROSIS CONGENITA OF LEBER II; Autosomal Recessive RPE65-Related Retinal Degeneration. Identifiers: Orphanet 65, MedGen C1859844, MONDO:0008765, OMIM 204100. Disease mechanism: loss of function.

Submission:

Labcorp Genetics (formerly Invitae), Labcorp
Classification: Uncertain significance for Leber congenital amaurosis 2; Retinitis pigmentosa 20. Last evaluated: 2025-10-26. Review status: criteria provided, single submitter. Criteria: Invitae Variant Classification Sherloc (09022015). Collection method: clinical testing. Allele origin: germline.
Comment: This sequence change replaces aspartic acid, which is acidic and polar, with asparagine, which is neutral and polar, at codon 509 of the RPE65 protein (p.Asp509Asn). This variant is not present in population databases (gnomAD no frequency). This variant has not been reported in the literature in individuals affected with RPE65-related conditions. ClinVar contains an entry for this variant (Variation ID: 1717649). Invitae Evidence Modeling of protein sequence and biophysical properties (such as structural, functional, and spatial information, amino acid conservation, physicochemical variation, residue mobility, and thermodynamic stability) indicates that this missense variant is not expected to disrupt RPE65 protein function with a negative predictive value of 80%. In summary, the available evidence is currently insufficient to determine the role of this variant in disease. Therefore, it has been classified as a Variant of Uncertain Significance.

NM_000329.3(RPE65):c.1525G>A (p.Asp509Asn)

Gene: RPE65 (retinoid isomerohydrolase RPE65; minus strand). Cytogenetic location: 1p31.3.
Variant type: single nucleotide variant.
Coding change: c.1525G>A on transcript NM_000329.3 (MANE Select); coding-DNA position 1525, G replaced by A.
Protein change: p.Asp509Asn; replaces aspartic acid 509 with asparagine.
Molecular consequence: missense variant.
Genome position (GRCh38, 1-based): chr1:68,429,853, C>T on the plus strand (G>A on the coding strand, the complement: RPE65 is on the minus strand). VCF-style: chr1-68429853-C-T. GRCh37 (hg19) VCF-style: chr1-68895536-C-T.
Other names: c.1417G>A, p.Asp473Asn (NM_001406853.1); c.1249G>A, p.Asp417Asn (NM_001406856.1, NM_001406857.1); short protein forms D417N, D473N, D509N.
Identifiers: ClinVar variation 1717649 (VCV001717649.5), dbSNP rs2523396559, ClinGen allele CA340741129.
Genomic context (GRCh38, chr1:68,429,853, plus strand): 5'-GTCCATGAAAGGTGACAGGGATGTTAATCTCCACTTCAGCCCGGGCAACTTCACTTAAGT[C>T]CTTGGCATTCAGAATCAGGAGATAAGCAGGCTTTTGTCCTGCTCCTGGGCTCACCACCAC-3'
Protein context (NP_000320.1, residues 499-519): PAYLLILNAK[Asp509Asn]LSEVARAEVE